The following is an entry in ClinVar:

ClinVar aggregate classification (germline): Benign/Likely benign. Review status: criteria provided, multiple submitters, no conflicts (2 of 4 stars). 8 submissions from 8 submitters: Benign (1); Likely benign (4). 3 of the submissions do not count toward it. Last evaluated 2026-01-30.

Conditions:
TCOF1-related disorder. Also called: TCOF1-related condition.
Treacher Collins syndrome 1 (TCS1). Also called: TCOF1-Related Treacher Collins Syndrome. Identifiers: Orphanet 861, MedGen CN315775, MONDO:0007944, OMIM 154500.
Treacher Collins syndrome. Also called: TREACHER COLLINS-FRANCESCHETTI SYNDROME. Identifiers: Orphanet 861, MedGen C0242387, MONDO:0002457.

Allele frequency attached by ClinVar (database versions not stated): gnomAD exomes 0.00036 and 0.00070; TOPMed 0.00053; ExAC 0.00055; gnomAD 0.00056 and 0.00059; ESP Exome Variant Server 0.00077.
gnomAD v4.1: 657 of 1,614,060 alleles (0.041%); highest among the groups gnomAD compares: Middle Eastern, 0.033%; 12 homozygotes.

Submissions (8):

Labcorp Genetics (formerly Invitae), Labcorp
Classification: Benign for Treacher Collins syndrome 1. Last evaluated: 2026-01-30. Review status: criteria provided, single submitter. Criteria: Invitae Variant Classification Sherloc (09022015). Collection method: clinical testing. Allele origin: germline.

Blueprint Genetics
Classification: Likely benign. Last evaluated: 2024-10-14. Review status: criteria provided, single submitter. Criteria: ACMG Guidelines, 2015. Collection method: clinical testing. Allele origin: germline.

CeGaT Center for Human Genetics Tuebingen
Classification: Likely benign. Last evaluated: 2024-01-01. Review status: criteria provided, single submitter. Criteria: CeGaT Center For Human Genetics Tuebingen Variant Classification Criteria Version 2. Collection method: clinical testing. Allele origin: germline. Affected: yes. Observed: 1 variant allele.
Comment: TCOF1: BP4, BS1

Department of Pathology and Laboratory Medicine, Sinai Health System
Classification: Likely benign for Treacher-Collins syndrome. Last evaluated: 2020-11-04. Review status: criteria provided, single submitter. Criteria: ACMG Guidelines, 2015. Collection method: research. Allele origin: germline.

GeneDx
Classification: Likely benign. Last evaluated: 2020-09-11. Review status: criteria provided, single submitter. Criteria: GeneDx Variant Classification Process June 2021. Collection method: clinical testing. Allele origin: germline. Affected: yes.
Comment: In silico analysis supports that this missense variant has a deleterious effect on protein structure/function; Has not been previously published as pathogenic or benign to our knowledge

PreventionGenetics, part of Exact Sciences
Classification: Benign for TCOF1-related condition. Last evaluated: 2020-08-07. Review status: no assertion criteria provided. Collection method: clinical testing. Allele origin: germline. Not counted in ClinVar's aggregate classification.
Comment: This variant is classified as benign based on ACMG/AMP sequence variant interpretation guidelines (Richards et al. 2015 PMID: 25741868, with internal and published modifications).

Joint Genome Diagnostic Labs from Nijmegen and Maastricht, Radboudumc and MUMC+
Classification: Benign. Review status: no assertion criteria provided. Collection method: clinical testing. Allele origin: germline. Affected: yes. Study: VKGL Data-share Consensus. Not counted in ClinVar's aggregate classification.

Laboratory of Diagnostic Genome Analysis, Leiden University Medical Center (LUMC)
Classification: Likely benign. Review status: no assertion criteria provided. Collection method: clinical testing. Allele origin: germline. Affected: yes. Study: VKGL Data-share Consensus. Not counted in ClinVar's aggregate classification.

NM_001371623.1(TCOF1):c.2188C>T (p.Pro730Ser)

Gene: TCOF1 (treacle ribosome biogenesis factor 1; plus strand). Cytogenetic location: 5q32.
Variant type: single nucleotide variant.
Coding change: c.2188C>T on transcript NM_001371623.1 (MANE Select); coding-DNA position 2188, C replaced by T.
Protein change: p.Pro730Ser; replaces proline 730 with serine.
Molecular consequence: missense variant.
Genome position (GRCh38, 1-based): chr5:150,376,468, C>T. VCF-style: chr5-150376468-C-T. GRCh37 (hg19) VCF-style: chr5-149756031-C-T.
Other names: c.1957C>T, p.Pro653Ser (NM_000356.4, NM_001135245.2); c.2188C>T, p.Pro730Ser (NM_001008657.3, NM_001135243.2, NM_001135244.2 and 1 more transcripts); short protein forms P653S, P730S.
Identifiers: ClinVar variation 767387 (VCV000767387.38), dbSNP rs150196623, ClinGen allele CA3511127.
Genomic context (GRCh38, chr5:150,376,468, plus strand): 5'-CCCTTGTCATCCCAGGCAAAGTCTGTGGGGAAAGGCCTCCAGGTGAAAGCAGCCTCAGTG[C>T]CTGTCAAGGGGTCCTTGGGGCAAGGGACTGCTCCAGTACTCCCTGGGAAGACGGGGCCTA-3'
Protein context (NP_001358552.1, residues 720-740): KGLQVKAASV[Pro730Ser]VKGSLGQGTA